The following is an entry in ClinVar:

NM_031220.4(PITPNM3):c.2810_2824dup (p.Pro941_Glu942insAlaAsnProLysPro)

Gene: PITPNM3 (PITPNM family member 3; minus strand). Cytogenetic location: 17p13.2.
Variant type: Duplication.
Coding change: c.2810_2824dup on transcript NM_031220.4 (MANE Select); coding-DNA positions 2810 to 2824, 15 bases duplicated (CCAACCCCAAGCCCG).
Protein change: p.Pro941_Glu942insAlaAsnProLysPro.
Molecular consequence: inframe insertion.
Genome position (GRCh38, 1-based): chr17:6,455,439-6,455,453, CGGGCTTGGGGTTGG duplicated on the plus strand (CCAACCCCAAGCCCG on the coding strand, the reverse complement: PITPNM3 is on the minus strand); duplicating any 15 consecutive bases within chr17:6,455,439-6,455,456 gives the same sequence; the c. name uses the placement nearest the transcript's 3' end. VCF-style (leftmost placement, unchanged base first): chr17-6455438-T-TCGGGCTTGGGGTTGG. GRCh37 (hg19) VCF-style: chr17-6358758-T-TCGGGCTTGGGGTTGG.
Other names: c.2702_2716dup, p.Pro905_Glu906insAlaAsnProLysPro (NM_001165966.2).
Identifiers: ClinVar variation 2126947 (VCV002126947.4), dbSNP rs1348431735, ClinGen allele CA624859313.

ClinVar aggregate classification (germline): Uncertain significance (1 of 4 stars; one submission).

Submission:

Labcorp Genetics (formerly Invitae), Labcorp
Classification: Uncertain significance. Last evaluated: 2024-01-22. Review status: criteria provided, single submitter. Criteria: Invitae Variant Classification Sherloc (09022015). Collection method: clinical testing. Allele origin: germline.
Comment: This variant, c.2810_2824dup, results in the insertion of 5 amino acid(s) of the PITPNM3 protein (p.Ala937_Pro941dup), but otherwise preserves the integrity of the reading frame. This variant is present in population databases (no rsID available, gnomAD 0.0009%). This variant has not been reported in the literature in individuals affected with PITPNM3-related conditions. ClinVar contains an entry for this variant (Variation ID: 2126947). In summary, the available evidence is currently insufficient to determine the role of this variant in disease. Therefore, it has been classified as a Variant of Uncertain Significance.